The following is an entry in ClinVar:

ClinVar aggregate classification (germline): Benign/Likely benign. Review status: criteria provided, multiple submitters, no conflicts (2 of 4 stars). 5 submissions from 4 submitters: Benign (2); Likely benign (3). Last evaluated 2026-01-25.

Conditions:
Familial cutaneous telangiectasia and oropharyngeal predisposition cancer syndrome. Identifiers: Orphanet 313846, MedGen C3281203, MONDO:0013806, OMIM 614564.
Seckel syndrome 1 (SCKL1). Also called: MICROCEPHALIC PRIMORDIAL DWARFISM I. Identifiers: Orphanet 808, MedGen C4551474, MONDO:0008869, OMIM 210600.

Allele frequency attached by ClinVar (database versions not stated): ExAC 0.00005; gnomAD exomes 0.00008 and 0.00029; gnomAD 0.00013 and 0.00015; TOPMed 0.00015; ESP Exome Variant Server 0.00038.
gnomAD v4.1: 441 of 1,613,064 alleles (0.027%); highest among the groups gnomAD compares: Non-Finnish European, 0.035%; no homozygotes.

Submissions (5):

Labcorp Genetics (formerly Invitae), Labcorp
Classification: Likely benign. Last evaluated: 2026-01-25. Review status: criteria provided, single submitter. Criteria: Invitae Variant Classification Sherloc (09022015). Collection method: clinical testing. Allele origin: germline.

Blueprint Genetics
Classification: Likely benign. Last evaluated: 2024-07-02. Review status: criteria provided, single submitter. Criteria: ACMG Guidelines, 2015. Collection method: clinical testing. Allele origin: germline.

Genome-Nilou Lab
Classification: Benign for Seckel syndrome 1. Last evaluated: 2023-02-08. Review status: criteria provided, single submitter. Criteria: ACMG Guidelines, 2015. Collection method: clinical testing. Allele origin: germline.

Genome-Nilou Lab
Classification: Benign for Familial cutaneous telangiectasia and oropharyngeal predisposition cancer syndrome. Last evaluated: 2023-02-08. Review status: criteria provided, single submitter. Criteria: ACMG Guidelines, 2015. Collection method: clinical testing. Allele origin: germline.

Genetic Services Laboratory, University of Chicago
Classification: Likely benign. Last evaluated: 2014-04-18. Review status: criteria provided, single submitter. Criteria: ACMG Guidelines, 2007. Collection method: clinical testing. Allele origin: germline. Inheritance: Autosomal recessive inheritance.
Comment: Likely benign based on allele frequency in 1000 Genomes Project or ESP global frequency and its presence in a patient with a rare or unrelated disease phenotype. NOT Sanger confirmed

NM_001184.4(ATR):c.4641+9A>G

Gene: ATR (ATR checkpoint kinase; minus strand). Cytogenetic location: 3q23.
Variant type: single nucleotide variant.
Coding change: c.4641+9A>G on transcript NM_001184.4 (MANE Select); 9 bases into the intron after coding-DNA position 4641, A replaced by G.
Molecular consequence: intron variant.
Genome position (GRCh38, 1-based): chr3:142,513,492, T>C on the plus strand (A>G on the coding strand, the complement: ATR is on the minus strand). VCF-style: chr3-142513492-T-C. GRCh37 (hg19) VCF-style: chr3-142232334-T-C.
Other names: c.4449+9A>G (NM_001354579.2).
Identifiers: ClinVar variation 157988 (VCV000157988.18), dbSNP rs369284360, ClinGen allele CA171363.